The following is an entry in ClinVar:

ClinVar aggregate classification (germline): Uncertain significance (1 of 4 stars; one submission).

Allele frequency attached by ClinVar (database versions not stated): gnomAD exomes below 0.00001.
gnomAD v4.1: 2 of 1,614,176 alleles (0.00012%); highest among the groups gnomAD compares: Non-Finnish European, 0.00017%; no homozygotes.

Submission:

Labcorp Genetics (formerly Invitae), Labcorp
Classification: Uncertain significance. Last evaluated: 2023-10-14. Review status: criteria provided, single submitter. Criteria: Invitae Variant Classification Sherloc (09022015). Collection method: clinical testing. Allele origin: germline.
Comment: This sequence change replaces proline, which is neutral and non-polar, with leucine, which is neutral and non-polar, at codon 1054 of the TTBK2 protein (p.Pro1054Leu). This variant is not present in population databases (gnomAD no frequency). This variant has not been reported in the literature in individuals affected with TTBK2-related conditions. An algorithm developed to predict the effect of missense changes on protein structure and function (PolyPhen-2) suggests that this variant is likely to be disruptive. In summary, the available evidence is currently insufficient to determine the role of this variant in disease. Therefore, it has been classified as a Variant of Uncertain Significance.

NM_173500.4(TTBK2):c.3161C>T (p.Pro1054Leu)

Gene: TTBK2 (tau tubulin kinase 2; minus strand). Cytogenetic location: 15q15.2.
Variant type: single nucleotide variant.
Coding change: c.3161C>T on transcript NM_173500.4 (MANE Select); coding-DNA position 3161, C replaced by T.
Protein change: p.Pro1054Leu; replaces proline 1054 with leucine.
Molecular consequence: missense variant.
Genome position (GRCh38, 1-based): chr15:42,752,085, G>A on the plus strand (C>T on the coding strand, the complement: TTBK2 is on the minus strand). VCF-style: chr15-42752085-G-A. GRCh37 (hg19) VCF-style: chr15-43044283-G-A.
Other names: short protein forms P1054L.
Identifiers: ClinVar variation 3023812 (VCV003023812.3), dbSNP rs2506190263, ClinGen allele CA392070635.